The following is an entry in ClinVar:

ClinVar aggregate classification (germline): Uncertain significance (1 of 4 stars; one submission).

Conditions:
Hyper-IgM syndrome type 1. Also called: Hyper-IgM Immunodeficiency Syndrome, Type 1; CD40 Ligand Deficiency; X-linked hyper-IgM syndrome; Immunodeficiency, X-linked, with hyper-IgM. Identifiers: Orphanet 101088, MedGen C0398689, MONDO:0010626, OMIM 308230.

Submission:

Labcorp Genetics (formerly Invitae), Labcorp
Classification: Uncertain significance for Hyper-IgM syndrome type 1. Last evaluated: 2026-01-02. Review status: criteria provided, single submitter. Criteria: Invitae Variant Classification Sherloc (09022015). Collection method: clinical testing. Allele origin: germline.
Comment: This sequence change replaces serine, which is neutral and polar, with tryptophan, which is neutral and slightly polar, at codon 184 of the CD40LG protein (p.Ser184Trp). This variant is not present in population databases (gnomAD no frequency). This variant has not been reported in the literature in individuals affected with CD40LG-related conditions. Invitae Evidence Modeling of protein sequence and biophysical properties (such as structural, functional, and spatial information, amino acid conservation, physicochemical variation, residue mobility, and thermodynamic stability) indicates that this missense variant is not expected to disrupt CD40LG protein function with a negative predictive value of 80%. In summary, the available evidence is currently insufficient to determine the role of this variant in disease. Therefore, it has been classified as a Variant of Uncertain Significance.

NM_000074.3(CD40LG):c.551C>G (p.Ser184Trp)

Gene: CD40LG (CD40 ligand; plus strand). Cytogenetic location: Xq26.3.
Variant type: single nucleotide variant.
Coding change: c.551C>G on transcript NM_000074.3 (MANE Select); coding-DNA position 551, C replaced by G.
Protein change: p.Ser184Trp; replaces serine 184 with tryptophan.
Molecular consequence: missense variant.
Genome position (GRCh38, 1-based): chrX:136,659,180, C>G. VCF-style: chrX-136659180-C-G. GRCh37 (hg19) VCF-style: chrX-135741339-C-G.
Other names: short protein forms S184W.
Identifiers: ClinVar variation 4760213 (VCV004760213.1).